The following is an entry in ClinVar:

NM_022100.3(MRPS14):c.106C>T (p.Arg36Cys)

Gene: MRPS14 (mitochondrial ribosomal protein S14; minus strand). Cytogenetic location: 1q25.1.
Variant type: single nucleotide variant.
Coding change: c.106C>T on transcript NM_022100.3 (MANE Select); coding-DNA position 106, C replaced by T.
Protein change: p.Arg36Cys; replaces arginine 36 with cysteine.
Molecular consequence: missense variant. On other transcripts: non-coding transcript variant (1).
Genome position (GRCh38, 1-based): chr1:175,018,516, G>A on the plus strand (C>T on the coding strand, the complement: MRPS14 is on the minus strand). VCF-style: chr1-175018516-G-A. GRCh37 (hg19) VCF-style: chr1-174987652-G-A.
Other names: short protein forms R36C.
Identifiers: ClinVar variation 1913283 (VCV001913283.5), dbSNP rs1278051627, ClinGen allele CA343780254.
Genomic context (GRCh38, chr1:175,018,516, plus strand): 5'-AATTAATACGTAGCCTCTCATCTGCGTATTCATAGGCCATTTTTCGTCTCTTCACATCGC[G>A]CCACATTCTCCAGTCTACATAGTGACTTCGAACTTGGCCTGAAGCTGATGAAGGAACCAT-3'
Protein context (NP_071383.1, residues 26-46): RSHYVDWRMW[Arg36Cys]DVKRRKMAYE

ClinVar aggregate classification (germline): Uncertain significance (1 of 4 stars; one submission).

Allele frequency attached by ClinVar (database versions not stated): gnomAD exomes 0.00001.
gnomAD v4.1: 19 of 1,612,690 alleles (0.0012%); highest among the groups gnomAD compares: South Asian, 0.0033%; no homozygotes.

Submission:

Labcorp Genetics (formerly Invitae), Labcorp
Classification: Uncertain significance. Last evaluated: 2022-08-22. Review status: criteria provided, single submitter. Criteria: Invitae Variant Classification Sherloc (09022015). Collection method: clinical testing. Allele origin: germline.
Comment: In summary, the available evidence is currently insufficient to determine the role of this variant in disease. Therefore, it has been classified as a Variant of Uncertain Significance. Algorithms developed to predict the effect of missense changes on protein structure and function (SIFT, PolyPhen-2, Align-GVGD) all suggest that this variant is likely to be disruptive. This variant has not been reported in the literature in individuals affected with MRPS14-related conditions. The frequency data for this variant in the population databases is considered unreliable, as metrics indicate poor data quality at this position in the gnomAD database. This sequence change replaces arginine, which is basic and polar, with cysteine, which is neutral and slightly polar, at codon 36 of the MRPS14 protein (p.Arg36Cys).